The following is an entry in ClinVar:

NM_001367721.1(CASK):c.2303C>T (p.Ala768Val)

Gene: CASK (calcium/calmodulin dependent serine protein kinase; minus strand). Cytogenetic location: Xp11.4.
Variant type: single nucleotide variant.
Coding change: c.2303C>T on transcript NM_001367721.1 (MANE Select); coding-DNA position 2303, C replaced by T.
Protein change: p.Ala768Val; replaces alanine 768 with valine.
Molecular consequence: missense variant.
Genome position (GRCh38, 1-based): chrX:41,534,720, G>A on the plus strand (C>T on the coding strand, the complement: CASK is on the minus strand). VCF-style: chrX-41534720-G-A. GRCh37 (hg19) VCF-style: chrX-41393973-G-A.
Other names: c.2219C>T, p.Ala740Val (NM_001126054.3); c.2216C>T, p.Ala739Val (NM_001126055.3); c.2285C>T, p.Ala762Val (NM_001410745.1); c.2288C>T, p.Ala763Val (NM_003688.4); short protein forms A739V, A768V, A740V, A763V, A762V.
Identifiers: ClinVar variation 1484983 (VCV001484983.8), dbSNP rs2147095720, ClinGen allele CA412991423.

ClinVar aggregate classification (germline): Uncertain significance (1 of 4 stars; one submission).

Conditions:
Intellectual disability, CASK-related, X-linked. Identifiers: MedGen CN043158.

gnomAD v4.1: 2 of 1,203,788 alleles (0.00017%); highest among the groups gnomAD compares: Admixed American, 0.0022%; no homozygotes.

Submission:

Labcorp Genetics (formerly Invitae), Labcorp
Classification: Uncertain significance for Intellectual disability, CASK-related, X-linked. Last evaluated: 2021-04-23. Review status: criteria provided, single submitter. Criteria: Invitae Variant Classification Sherloc (09022015). Collection method: clinical testing. Allele origin: germline.
Comment: In summary, the available evidence is currently insufficient to determine the role of this variant in disease. Therefore, it has been classified as a Variant of Uncertain Significance. Algorithms developed to predict the effect of missense changes on protein structure and function (SIFT, PolyPhen-2, Align-GVGD) all suggest that this variant is likely to be disruptive, but these predictions have not been confirmed by published functional studies and their clinical significance is uncertain. This variant has not been reported in the literature in individuals with CASK-related conditions. This variant is not present in population databases (ExAC no frequency). This sequence change replaces alanine with valine at codon 763 of the CASK protein (p.Ala763Val). The alanine residue is highly conserved and there is a small physicochemical difference between alanine and valine.